The following is an entry in ClinVar:

ClinVar aggregate classification (germline): Uncertain significance. Review status: criteria provided, single submitter (1 of 4 stars). 2 submissions from 2 submitters: Uncertain significance (1). 1 of the submissions does not count toward it. Last evaluated 2025-07-02.

Conditions:
PLXNA1-related disorder. Also called: PLXNA1-related condition.

gnomAD v4.1: 28 of 1,612,970 alleles (0.0017%); highest among the groups gnomAD compares: Admixed American, 0.0033%; no homozygotes.

Submissions (2):

Ambry Genetics
Classification: Uncertain significance. Last evaluated: 2025-07-02. Review status: criteria provided, single submitter. Criteria: Ambry Variant Classification Scheme 2023. Collection method: clinical testing. Allele origin: germline.

PreventionGenetics, part of Exact Sciences
Classification: Uncertain significance for PLXNA1-related condition. Last evaluated: 2024-02-06. Review status: no assertion criteria provided. Collection method: clinical testing. Allele origin: germline. Not counted in ClinVar's aggregate classification.
Comment: The PLXNA1 c.1043G>A variant is predicted to result in the amino acid substitution p.Arg348His. To our knowledge, this variant has not been reported in the literature. This variant is reported in 0.0098% of alleles in individuals of South Asian descent in gnomAD. At this time, the clinical significance of this variant is uncertain due to the absence of conclusive functional and genetic evidence.

NM_032242.4(PLXNA1):c.1043G>A (p.Arg348His)

Gene: PLXNA1 (plexin A1; plus strand). Cytogenetic location: 3q21.3.
Variant type: single nucleotide variant.
Coding change: c.1043G>A on transcript NM_032242.4 (MANE Select); coding-DNA position 1043, G replaced by A.
Protein change: p.Arg348His; replaces arginine 348 with histidine.
Molecular consequence: missense variant.
Genome position (GRCh38, 1-based): chr3:126,989,636, G>A. VCF-style: chr3-126989636-G-A. GRCh37 (hg19) VCF-style: chr3-126708479-G-A.
Other names: short protein forms R348H.
Identifiers: ClinVar variation 3353726 (VCV003353726.2).